The following is an entry in ClinVar:

ClinVar aggregate classification (germline): Benign/Likely benign. Review status: criteria provided, multiple submitters, no conflicts (2 of 4 stars). 3 submissions from 3 submitters: Benign (1); Likely benign (1). 1 of the submissions does not count toward it. Last evaluated 2022-03-01.

Conditions:
ARHGAP32-related disorder. Also called: ARHGAP32-related condition.

Allele frequency attached by ClinVar (database versions not stated): 1000 Genomes Project 30x 0.00297; 1000 Genomes Project 0.00319; gnomAD exomes 0.00362; gnomAD 0.00399 and 0.00409; TOPMed 0.00413; ESP Exome Variant Server 0.00485; ExAC 0.00486.
gnomAD v4.1: 8,845 of 1,564,532 alleles (0.57%); highest among the groups gnomAD compares: Non-Finnish European, 0.67%; 36 homozygotes.

Submissions (3):

CeGaT Center for Human Genetics Tuebingen
Classification: Likely benign. Last evaluated: 2022-03-01. Review status: criteria provided, single submitter. Criteria: CeGaT Center For Human Genetics Tuebingen Variant Classification Criteria Version 2. Collection method: clinical testing. Allele origin: germline. Affected: yes. Observed: 1 variant allele.
Comment: ARHGAP32: BP4, BP7

Labcorp Genetics (formerly Invitae), Labcorp
Classification: Benign. Last evaluated: 2019-12-31. Review status: criteria provided, single submitter. Criteria: Invitae Variant Classification Sherloc (09022015). Collection method: clinical testing. Allele origin: germline.

PreventionGenetics, part of Exact Sciences
Classification: Benign for ARHGAP32-related condition. Last evaluated: 2019-02-20. Review status: no assertion criteria provided. Collection method: clinical testing. Allele origin: germline. Not counted in ClinVar's aggregate classification.
Comment: This variant is classified as benign based on ACMG/AMP sequence variant interpretation guidelines (Richards et al. 2015 PMID: 25741868, with internal and published modifications).

NM_001378024.1(ARHGAP32):c.6258C>T (p.Pro2086=)

Gene: ARHGAP32 (Rho GTPase activating protein 32; minus strand). Cytogenetic location: 11q24.3.
Variant type: single nucleotide variant.
Coding change: c.6258C>T on transcript NM_001378024.1 (MANE Select); coding-DNA position 6258, C replaced by T.
Protein change: p.Pro2086=; no amino-acid change (proline 2086 retained).
Molecular consequence: synonymous variant.
Genome position (GRCh38, 1-based): chr11:128,968,955, G>A on the plus strand (C>T on the coding strand, the complement: ARHGAP32 is on the minus strand). VCF-style: chr11-128968955-G-A. GRCh37 (hg19) VCF-style: chr11-128838850-G-A.
Other names: c.6216C>T, p.Pro2072= (NM_001142685.2); c.6096C>T, p.Pro2032= (NM_001378025.1); c.5169C>T, p.Pro1723= (NM_014715.4).
Identifiers: ClinVar variation 713706 (VCV000713706.29), dbSNP rs116891747, ClinGen allele CA6358227.
Genomic context (GRCh38, chr11:128,968,955, plus strand): 5'-TGCTCGCAGGGCTCATTCTGCATGGATCTGTGTTTCAGGATGCTGCAAGGACAACTCTGC[G>A]GGCAGGAAGGCCCCTTGACCCAACGCTGTAGCATAGGTCCTGCTCTGTGGATGGGGAAAG-3'
Protein context (NP_001364953.1, residues 2076-2096): ATALGQGAFL[Pro2086=]AELSLQHPET